The following is an entry in ClinVar:

NM_014844.5(TECPR2):c.2934-155C>G

Gene: TECPR2 (tectonin beta-propeller repeat containing 2; plus strand). Cytogenetic location: 14q32.31.
Variant type: single nucleotide variant.
Coding change: c.2934-155C>G on transcript NM_014844.5 (MANE Select); 155 bases into the intron before coding-DNA position 2934, C replaced by G.
Molecular consequence: intron variant.
Genome position (GRCh38, 1-based): chr14:102,445,651, C>G. VCF-style: chr14-102445651-C-G. GRCh37 (hg19) VCF-style: chr14-102911988-C-G.
Other names: c.2934-155C>G (NM_001172631.3).
Identifiers: ClinVar variation 672797 (VCV000672797.1), dbSNP rs2273908, ClinGen allele CA267068371.

ClinVar aggregate classification (germline): Likely benign (1 of 4 stars; one submission).

Allele frequency attached by ClinVar (database versions not stated): gnomAD 0.02593 and 0.02689; TOPMed 0.02632; 1000 Genomes Project 30x 0.02717; 1000 Genomes Project 0.02796.
gnomAD v4.1: 4,141 of 152,184 alleles (2.7%); highest among the groups gnomAD compares: Middle Eastern, 8.8%; 75 homozygotes.

Submission:

GeneDx
Classification: Likely benign. Last evaluated: 2018-06-14. Review status: criteria provided, single submitter. Criteria: GeneDx Variant Classification (06012015). Collection method: clinical testing. Allele origin: germline. Affected: yes.
Comment: This variant is considered likely benign or benign based on one or more of the following criteria: it is a conservative change, it occurs at a poorly conserved position in the protein, it is predicted to be benign by multiple in silico algorithms, and/or has population frequency not consistent with disease.